The following is an entry in ClinVar:

ClinVar aggregate classification (germline): Uncertain significance (1 of 4 stars; one submission).

gnomAD v4.1: 1 of 1,609,982 alleles (0.000062%); highest among the groups gnomAD compares: South Asian, 0.0011%; no homozygotes.

Submission:

GeneDx
Classification: Uncertain significance. Last evaluated: 2025-07-11. Review status: criteria provided, single submitter. Criteria: GeneDx Variant Classification Process June 2021. Collection method: clinical testing. Allele origin: germline. Affected: yes.
Comment: Not observed at significant frequency in large population cohorts (gnomAD); In silico analysis suggests that this missense variant does not alter protein structure/function; Has not been previously published as pathogenic or benign to our knowledge

NM_032043.3(BRIP1):c.1406G>C (p.Ser469Thr)

Gene: BRIP1 (BRCA1 interacting DNA helicase 1; minus strand). Cytogenetic location: 17q23.2.
Variant type: single nucleotide variant.
Coding change: c.1406G>C on transcript NM_032043.3 (MANE Select); coding-DNA position 1406, G replaced by C.
Protein change: p.Ser469Thr; replaces serine 469 with threonine.
Molecular consequence: missense variant.
Genome position (GRCh38, 1-based): chr17:61,793,664, C>G on the plus strand (G>C on the coding strand, the complement: BRIP1 is on the minus strand). VCF-style: chr17-61793664-C-G. GRCh37 (hg19) VCF-style: chr17-59871025-C-G.
Other names: short protein forms S469T.
Identifiers: ClinVar variation 4685439 (VCV004685439.1).